The following is an entry in ClinVar:

ClinVar aggregate classification (germline): Pathogenic. Review status: criteria provided, multiple submitters, no conflicts (2 of 4 stars). 4 submissions from 4 submitters: Pathogenic (4). Last evaluated 2021-11-07.

Conditions:
Mucopolysaccharidosis, MPS-IV-A (MPS4A). Also called: Mucopolysaccharidosis type IV A; MPS IVA; Mucopolysaccharidosis Type IVA; GALACTOSAMINE-6-SULFATASE DEFICIENCY; GALNS DEFICIENCY; Morquio syndrome A, mild. Identifiers: Orphanet 309297, Orphanet 582, MedGen C0086651, MONDO:0009659, OMIM 253000.
GALNS-related disorders.

Allele frequency attached by ClinVar (database versions not stated): gnomAD exomes 0.00001; ExAC 0.00003.
gnomAD v4.1: 7 of 1,581,208 alleles (0.00044%); highest among the groups gnomAD compares: Non-Finnish European, 0.00052%; no homozygotes.

Submissions (4):

Genome-Nilou Lab
Classification: Pathogenic for Mucopolysaccharidosis, MPS-IV-A. Last evaluated: 2021-11-07. Review status: criteria provided, single submitter. Criteria: ACMG Guidelines, 2015. Collection method: clinical testing. Allele origin: germline. Affected: no.

Centre for Inherited Metabolic Diseases, Karolinska University Hospital
Classification: Pathogenic for Mucopolysaccharidosis, MPS-IV-A. Last evaluated: 2021-04-07. Review status: criteria provided, single submitter. Criteria: ACMG Guidelines, 2015. Collection method: clinical testing. Allele origin: germline. Inheritance: Autosomal recessive inheritance. Affected: yes. Observed: 1 compound heterozygote.

Laboratory of Diagnosis and Therapy of Lysosomal Disorders, University of Padova
Classification: Pathogenic for Mucopolysaccharidosis, MPS-IV-A. Last evaluated: 2021-02-01. Review status: criteria provided, single submitter. Criteria: ACMG Guidelines, 2015. Collection method: curation. Allele origin: germline. Affected: yes.
Comment: Nonsense variant (PVS1_very strong); the prevalence of the variant in affected individuals is significantly increased compared with the prevalence in controls (PS4_moderate); very low frequency in gnomAD v2.1.1 (PM2_moderate)

Blueprint Genetics
Classification: Pathogenic for GALNS-related disorders. Last evaluated: 2019-03-01. Review status: criteria provided, single submitter. Criteria: ACMG Guidelines, 2015. Collection method: clinical testing. Allele origin: germline. Affected: yes. Observed: 1 variant allele.

Literature cited by the submitters: PubMed 15235041 (cited by Laboratory of Diagnosis and Therapy of Lysosomal Disorders, University of Padova); PubMed 9298823 (cited by Laboratory of Diagnosis and Therapy of Lysosomal Disorders, University of Padova); PubMed 34387910 (cited by Laboratory of Diagnosis and Therapy of Lysosomal Disorders, University of Padova).

NM_000512.5(GALNS):c.1012C>T (p.Gln338Ter)

Gene: GALNS (galactosamine (N-acetyl)-6-sulfatase; minus strand). Cytogenetic location: 16q24.3.
Variant type: single nucleotide variant.
Coding change: c.1012C>T on transcript NM_000512.5 (MANE Select); coding-DNA position 1012, C replaced by T.
Protein change: p.Gln338Ter; replaces glutamine 338 with a stop codon.
Molecular consequence: nonsense.
Genome position (GRCh38, 1-based): chr16:88,826,829, G>A on the plus strand (C>T on the coding strand, the complement: GALNS is on the minus strand). VCF-style: chr16-88826829-G-A. GRCh37 (hg19) VCF-style: chr16-88893237-G-A.
Other names: c.457C>T, p.Gln153Ter (NM_001323543.2); c.1030C>T, p.Gln344Ter (NM_001323544.2); short protein forms Q153*, Q338*, Q344*.
Identifiers: ClinVar variation 1048435 (VCV001048435.8), dbSNP rs767131589, ClinGen allele CA8234840.